The following is an entry in ClinVar:

ClinVar aggregate classification (germline): Uncertain significance (1 of 4 stars; one submission).

Conditions:
Familial adenomatous polyposis 1 (FAP1). Also called: FAMILIAL ADENOMATOUS POLYPOSIS 1, ATTENUATED; POLYPOSIS, ADENOMATOUS INTESTINAL. Identifiers: MedGen C2713442, MONDO:0021056, OMIM 175100. Disease mechanism: loss of function.

Submission:

Labcorp Genetics (formerly Invitae), Labcorp
Classification: Uncertain significance for Familial adenomatous polyposis 1. Last evaluated: 2019-11-02. Review status: criteria provided, single submitter. Criteria: Invitae Variant Classification Sherloc (09022015). Collection method: clinical testing. Allele origin: germline.
Comment: In summary, the available evidence is currently insufficient to determine the role of this variant in disease. Therefore, it has been classified as a Variant of Uncertain Significance. Algorithms developed to predict the effect of missense changes on protein structure and function (SIFT, PolyPhen-2, Align-GVGD) all suggest that this variant is likely to be disruptive, but these predictions have not been confirmed by published functional studies and their clinical significance is uncertain. This variant has not been reported in the literature in individuals with APC-related conditions. This sequence change replaces valine with leucine at codon 2840 of the APC protein (p.Val2840Leu). The valine residue is highly conserved and there is a small physicochemical difference between valine and leucine. This variant is not present in population databases (ExAC no frequency).

NM_000038.6(APC):c.8518G>T (p.Val2840Leu)

Gene: APC (APC regulator of Wnt signaling pathway; plus strand). Cytogenetic location: 5q22.2.
Variant type: single nucleotide variant.
Coding change: c.8518G>T on transcript NM_000038.6 (MANE Select); coding-DNA position 8518, G replaced by T.
Protein change: p.Val2840Leu; replaces valine 2840 with leucine.
Molecular consequence: missense variant.
Genome position (GRCh38, 1-based): chr5:112,844,112, G>T. VCF-style: chr5-112844112-G-T. GRCh37 (hg19) VCF-style: chr5-112179809-G-T.
Other names: c.8518G>T, p.Val2840Leu (NM_001127510.3, NM_001354895.2); c.8464G>T, p.Val2822Leu (NM_001127511.3); c.8572G>T, p.Val2858Leu (NM_001354896.2); c.8548G>T, p.Val2850Leu (NM_001354897.2); c.8443G>T, p.Val2815Leu (NM_001354898.2); c.8434G>T, p.Val2812Leu (NM_001354899.2); c.8395G>T, p.Val2799Leu (NM_001354900.2); c.8341G>T, p.Val2781Leu (NM_001354901.2); and 5 more; short protein forms V2557L, V2739L, V2812L, V2840L, V2680L, V2714L, V2749L, V2781L.
Identifiers: ClinVar variation 970912 (VCV000970912.11), dbSNP rs878853480, ClinGen allele CA16039805.
Genomic context (GRCh38, chr5:112,844,112, plus strand): 5'-ACTGACAGCACAGAATCCAGTGGAACCCAAAGTCCTAAGCGCCATTCTGGGTCTTACCTT[G>T]TGACATCTGTTTAAAAGAGAGGAAGAATGAAACTAAGAAAATTCTATGTTAATTACAACT-3'
Protein context (NP_000029.2, residues 2830-2843): SPKRHSGSYL[Val2840Leu]TSV